The following is an entry in ClinVar:

ClinVar aggregate classification (germline): Conflicting classifications of pathogenicity. Review status: criteria provided, conflicting classifications (1 of 4 stars). 2 submissions from 2 submitters: Uncertain significance (1); Likely benign (1). Last evaluated 2023-10-13.

Conditions:
Primary ciliary dyskinesia. Also called: Ciliary dyskinesia. Identifiers: Orphanet 244, MedGen C0008780, MONDO:0016575, HP:0012265.

Allele frequency attached by ClinVar (database versions not stated): gnomAD exomes 0.00001 and 0.00003; ExAC 0.00006; ESP Exome Variant Server 0.00016; gnomAD 0.00017 and 0.00019; TOPMed 0.00017.
gnomAD v4.1: 44 of 1,548,140 alleles (0.0028%); highest among the groups gnomAD compares: African/African-American, 0.06%; no homozygotes.

Submissions (2):

Labcorp Genetics (formerly Invitae), Labcorp
Classification: Uncertain significance for Primary ciliary dyskinesia. Last evaluated: 2023-10-13. Review status: criteria provided, single submitter. Criteria: Invitae Variant Classification Sherloc (09022015). Collection method: clinical testing. Allele origin: germline.
Comment: This sequence change replaces cysteine, which is neutral and slightly polar, with arginine, which is basic and polar, at codon 39 of the DNAAF1 protein (p.Cys39Arg). This variant is present in population databases (rs373512514, gnomAD 0.06%). This variant has not been reported in the literature in individuals affected with DNAAF1-related conditions. ClinVar contains an entry for this variant (Variation ID: 525446). Algorithms developed to predict the effect of missense changes on protein structure and function output the following: SIFT: "Not Available"; PolyPhen-2: "Benign"; Align-GVGD: "Not Available". The arginine amino acid residue is found in multiple mammalian species, which suggests that this missense change does not adversely affect protein function. In summary, the available evidence is currently insufficient to determine the role of this variant in disease. Therefore, it has been classified as a Variant of Uncertain Significance.

Ambry Genetics
Classification: Likely benign for Primary ciliary dyskinesia. Last evaluated: 2022-07-05. Review status: criteria provided, single submitter. Criteria: Ambry Variant Classification Scheme 2023. Collection method: clinical testing. Allele origin: germline.

NM_178452.6(DNAAF1):c.115T>C (p.Cys39Arg)

Gene: DNAAF1 (dynein axonemal assembly factor 1; plus strand). Cytogenetic location: 16q24.1.
Variant type: single nucleotide variant.
Coding change: c.115T>C on transcript NM_178452.6 (MANE Select); coding-DNA position 115, T replaced by C.
Protein change: p.Cys39Arg; replaces cysteine 39 with arginine.
Molecular consequence: missense variant.
Genome position (GRCh38, 1-based): chr16:84,145,555, T>C. VCF-style: chr16-84145555-T-C. GRCh37 (hg19) VCF-style: chr16-84179160-T-C.
Other names: short protein forms C39R.
Identifiers: ClinVar variation 525446 (VCV000525446.9), dbSNP rs373512514, ClinGen allele CA8202349.
Genomic context (GRCh38, chr16:84,145,555, plus strand): 5'-GCGCAGGAGCCCGGCGTGGAGGAGTCTGCGGGTGACCACGGGAGCGCAGGCCGAGGGGGC[T>C]GCAAGGAAGGTGCCGACTGCCCCCCAGGGAGGGCGGTGGGCGAGGGGCAGACACGGCTAG-3'
Protein context (NP_848547.4, residues 29-49): GDHGSAGRGG[Cys39Arg]KEEINDPKEI